The following is an entry in ClinVar:

NM_000187.4(HGD):c.469+1G>C

Gene: HGD (homogentisate 1,2-dioxygenase; minus strand). Cytogenetic location: 3q13.33.
Variant type: single nucleotide variant.
Coding change: c.469+1G>C on transcript NM_000187.4 (MANE Select); the canonical splice donor site of the intron after coding-DNA position 469, G replaced by C.
Molecular consequence: splice donor variant.
Genome position (GRCh38, 1-based): chr3:120,647,876, C>G on the plus strand (G>C on the coding strand, the complement: HGD is on the minus strand). VCF-style: chr3-120647876-C-G. GRCh37 (hg19) VCF-style: chr3-120366723-C-G.
Identifiers: ClinVar variation 967202 (VCV000967202.13), dbSNP rs1260545974, ClinGen allele CA354077326.

ClinVar aggregate classification (germline): Pathogenic. Review status: criteria provided, multiple submitters, no conflicts (2 of 4 stars). 3 submissions from 3 submitters: Pathogenic (2). 1 of the submissions does not count toward it. Last evaluated 2019-10-27.

Conditions:
Alkaptonuria (AKU). Also called: HOMOGENTISIC ACID OXIDASE DEFICIENCY; Alcaptonuria; Alkaptonuric ochronosis; Homogentisic acidura. Identifiers: Orphanet 56, MedGen C0002066, MONDO:0008753, OMIM 203500.

Allele frequency attached by ClinVar (database versions not stated): TOPMed 0.00001.
gnomAD v4.1: 1 of 1,611,126 alleles (0.000062%); highest among the groups gnomAD compares: South Asian, 0.0011%; no homozygotes.

Submissions (3):

Labcorp Genetics (formerly Invitae), Labcorp
Classification: Pathogenic for Alkaptonuria. Last evaluated: 2019-10-27. Review status: criteria provided, single submitter. Criteria: Invitae Variant Classification Sherloc (09022015). Collection method: clinical testing. Allele origin: germline.
Comment: This sequence change affects a donor splice site in intron 7 of the HGD gene. It is expected to disrupt RNA splicing and likely results in an absent or disrupted protein product. This variant is not present in population databases (ExAC no frequency). This variant has been observed in individual(s) with alkaptonuria (PMID: 23353776). Algorithms developed to predict the effect of sequence changes on RNA splicing suggest that this variant may disrupt the consensus splice site, but this prediction has not been confirmed by published transcriptional studies. Donor and acceptor splice site variants typically lead to a loss of protein function (PMID: 16199547), and loss-of-function variants in HGD are known to be pathogenic (PMID: 12501223, 19862842). For these reasons, this variant has been classified as Pathogenic.

Juno Genomics, Hangzhou Juno Genomics, Inc
Classification: Pathogenic for Alkaptonuria. Review status: criteria provided, single submitter. Criteria: ACMG Guidelines, 2015. Collection method: clinical testing. Allele origin: germline. Affected: yes.
Comment: Absent from controls (or at extremely low frequency if recessive) in Genome Aggregation Database, Exome Sequencing Project, 1000 Genomes Project, or Exome Aggregation Consortium.;Null variant in a gene where loss of function (LOF) is a known mechanism of disease.;For recessive disorders, detected in trans with a pathogenic variant.;Patient's phenotype or family history is highly specific for a disease with a single genetic etiology.

Department Of Human Genetics, Institute Of Clinical And Translational Research, Biomedical Research Center, Slovak Academy Of Sciences
Classification: Pathogenic for Alkaptonuria. Review status: no assertion criteria provided. Collection method: research. Allele origin: germline. Inheritance: Autosomal recessive inheritance. Affected: yes. Observed: 1 variant allele. Not counted in ClinVar's aggregate classification.
Comment: The variant was originally described in AKU patient in PMID:23353776. It has been submitted to the HGD gene mutation database (DB-ID: AKU_00158).

Literature cited by the submitters: PubMed 23353776 (cited by Labcorp Genetics (formerly Invitae), Labcorp and Department Of Human Genetics, Institute Of Clinical And Translational Research, Biomedical Research Center, Slovak Academy Of Sciences); PubMed 16199547 (cited by Labcorp Genetics (formerly Invitae), Labcorp); PubMed 12501223 (cited by Labcorp Genetics (formerly Invitae), Labcorp); PubMed 19862842 (cited by Labcorp Genetics (formerly Invitae), Labcorp).